The following is an entry in ClinVar:

ClinVar aggregate classification (germline): Uncertain significance (1 of 4 stars; one submission).

Submission:

Ambry Genetics
Classification: Uncertain significance. Last evaluated: 2024-09-13. Review status: criteria provided, single submitter. Criteria: Ambry Variant Classification Scheme 2023. Collection method: clinical testing. Allele origin: germline.
Comment: The p.I2249T variant (also known as c.6746T>C), located in coding exon 23 of the POLQ gene, results from a T to C substitution at nucleotide position 6746. The isoleucine at codon 2249 is replaced by threonine, an amino acid with similar properties. This amino acid position is conserved. In addition, the in silico prediction for this alteration is inconclusive. Based on the available evidence, the clinical significance of this variant remains unclear.

NM_199420.4(POLQ):c.6746T>C (p.Ile2249Thr)

Gene: POLQ (DNA polymerase theta; minus strand). Cytogenetic location: 3q13.33.
Variant type: single nucleotide variant.
Coding change: c.6746T>C on transcript NM_199420.4 (MANE Select); coding-DNA position 6746, T replaced by C.
Protein change: p.Ile2249Thr; replaces isoleucine 2249 with threonine.
Molecular consequence: missense variant.
Genome position (GRCh38, 1-based): chr3:121,468,404, A>G on the plus strand (T>C on the coding strand, the complement: POLQ is on the minus strand). VCF-style: chr3-121468404-A-G. GRCh37 (hg19) VCF-style: chr3-121187251-A-G.
Other names: short protein forms I2249T.
Identifiers: ClinVar variation 3422335 (VCV003422335.1).